The following is an entry in ClinVar:

NM_001293298.2(CEMIP):c.3135G>A (p.Pro1045=)

Gene: CEMIP (cell migration inducing hyaluronidase 1; plus strand). Cytogenetic location: 15q25.1.
Variant type: single nucleotide variant.
Coding change: c.3135G>A on transcript NM_001293298.2 (MANE Select); coding-DNA position 3135, G replaced by A.
Protein change: p.Pro1045=; no amino-acid change (proline 1045 retained).
Molecular consequence: synonymous variant.
Genome position (GRCh38, 1-based): chr15:80,936,799, G>A. VCF-style: chr15-80936799-G-A. GRCh37 (hg19) VCF-style: chr15-81229140-G-A.
Other names: c.3135G>A, p.Pro1045= (NM_001293304.2, NM_018689.3).
Identifiers: ClinVar variation 3058070 (VCV003058070.2), dbSNP rs202129485, ClinGen allele CA7693485.

ClinVar aggregate classification (germline): Likely benign (0 of 4 stars; one submission).

Conditions:
CEMIP-related disorder. Also called: CEMIP-related condition.

Allele frequency attached by ClinVar (database versions not stated): ExAC 0.00002; gnomAD 0.00006; 1000 Genomes Project 30x 0.00016; 1000 Genomes Project 0.00020.
gnomAD v4.1: 35 of 1,614,130 alleles (0.0022%); highest among the groups gnomAD compares: Admixed American, 0.0083%; no homozygotes.

Submission:

PreventionGenetics, part of Exact Sciences
Classification: Likely benign for CEMIP-related condition. Last evaluated: 2019-03-27. Review status: no assertion criteria provided. Collection method: clinical testing. Allele origin: germline.
Comment: This variant is classified as likely benign based on ACMG/AMP sequence variant interpretation guidelines (Richards et al. 2015 PMID: 25741868, with internal and published modifications).